The following is an entry in ClinVar:

ClinVar aggregate classification (germline): Likely benign. Review status: criteria provided, single submitter (1 of 4 stars). 2 submissions from 2 submitters: Likely benign (1). 1 of the submissions does not count toward it. Last evaluated 2025-09-14.

Conditions:
RYR1-related disorder. Also called: RYR1-related condition; RYR1-related disorders. Identifiers: MedGen CN239331.

gnomAD v4.1: 12 of 1,107,958 alleles (0.0011%); highest among the groups gnomAD compares: East Asian, 0.0051%; no homozygotes.

Submissions (2):

Labcorp Genetics (formerly Invitae), Labcorp
Classification: Likely benign for RYR1-related disorder. Last evaluated: 2025-09-14. Review status: criteria provided, single submitter. Criteria: Invitae Variant Classification Sherloc (09022015). Collection method: clinical testing. Allele origin: germline.

PreventionGenetics, part of Exact Sciences
Classification: Likely benign for RYR1-related condition. Last evaluated: 2022-07-25. Review status: no assertion criteria provided. Collection method: clinical testing. Allele origin: germline. Not counted in ClinVar's aggregate classification.
Comment: This variant is classified as likely benign based on ACMG/AMP sequence variant interpretation guidelines (Richards et al. 2015 PMID: 25741868, with internal and published modifications).

NM_000540.3(RYR1):c.12972G>C (p.Thr4324=)

Gene: RYR1 (ryanodine receptor 1; plus strand). Cytogenetic location: 19q13.2.
Variant type: single nucleotide variant.
Coding change: c.12972G>C on transcript NM_000540.3 (MANE Select); coding-DNA position 12972, G replaced by C.
Protein change: p.Thr4324=; no amino-acid change (threonine 4324 retained).
Molecular consequence: synonymous variant.
Genome position (GRCh38, 1-based): chr19:38,565,306, G>C. VCF-style: chr19-38565306-G-C. GRCh37 (hg19) VCF-style: chr19-39055946-G-C.
Other names: c.12957G>C, p.Thr4319= (NM_001042723.2).
Identifiers: ClinVar variation 2888800 (VCV002888800.5), dbSNP rs2145845040, ClinGen allele CA507355727.